The following is an entry in ClinVar:

NM_001754.5(RUNX1):c.1198_1201dup (p.Pro401fs)

Gene: RUNX1 (RUNX family transcription factor 1; minus strand). Cytogenetic location: 21q22.12.
Variant type: Duplication.
Coding change: c.1198_1201dup on transcript NM_001754.5 (MANE Select); coding-DNA positions 1198 to 1201, 4 bases duplicated (TCGC; older notation c.1198_1201dupTCGC).
Protein change: p.Pro401fs; shifts the reading frame from proline 401.
Molecular consequence: frameshift variant.
Genome position (GRCh38, 1-based): chr21:34,792,377-34,792,380, GCGA duplicated on the plus strand (TCGC on the coding strand, the reverse complement: RUNX1 is on the minus strand); duplicating any 4 consecutive bases within chr21:34,792,377-34,792,382 gives the same sequence; the c. name uses the placement nearest the transcript's 3' end. VCF-style (leftmost placement, unchanged base first): chr21-34792376-G-GGCGA. GRCh37 (hg19) VCF-style: chr21-36164673-G-GGCGA.
Other names: NM_001754.5(RUNX1):c.1198_1201dup; p.Pro401fs; c.1198_1201dupTCGC (NM_001754.4); c.1117_1120dup, p.Pro374fs (NM_001001890.3); short protein forms P374fs, P401fs.
Identifiers: ClinVar variation 561223 (VCV000561223.5), dbSNP rs1569002159, ClinGen allele CA658824658.

ClinVar aggregate classification (germline): Likely pathogenic. Review status: reviewed by expert panel (3 of 4 stars). 2 submissions from 2 submitters: Likely pathogenic (1). 1 of the submissions does not count toward it. Last evaluated 2026-10-15.

Conditions:
Hereditary thrombocytopenia and hematologic cancer predisposition syndrome. Identifiers: Orphanet 71290, MedGen CN281654, MONDO:0011071.

Submissions (2):

ClinGen Myeloid Malignancy Variant Curation Expert Panel
Classification: Likely pathogenic for Hereditary thrombocytopenia and hematologic cancer predisposition syndrome. Last evaluated: 2026-10-15. Review status: reviewed by expert panel. Criteria: ClinGen MyeloMalig ACMG Specifications V3.1. Collection method: curation. Allele origin: germline. Inheritance: Autosomal dominant inheritance.
Comment: NM_001754.5(RUNX1):c.1198_1201dup (p.Pro401LeufsTer?) is a frameshift variant which is not predicted to undergo NMD (PVS1_Strong). This variant is downstream of c.98 (PM5_Supporting) and is completely absent from all population databases with at least 20x coverage for RUNX1 (PM2_Supporting). In summary, this variant meets criteria to be classified as likely pathogenic. ACMG/AMP criteria applied, as specified by the ClinGen Myeloid Malignancy Variant Curation Expert Panel for RUNX1: PVS1_Strong, PM5_Supporting, PM2_Supporting.

PreventionGenetics, part of Exact Sciences
Classification: Likely pathogenic. Last evaluated: 2018-07-12. Review status: criteria provided, single submitter. Criteria: ACMG Guidelines, 2015. Collection method: clinical testing. Allele origin: germline. Not counted in ClinVar's aggregate classification.